The following is an entry in ClinVar:

NM_058216.3(RAD51C):c.145G>A (p.Glu49Lys)

Gene: RAD51C (RAD51 paralog C; plus strand). Cytogenetic location: 17q22.
Variant type: single nucleotide variant.
Coding change: c.145G>A on transcript NM_058216.3 (MANE Select); coding-DNA position 145, G replaced by A.
Protein change: p.Glu49Lys; replaces glutamic acid 49 with lysine.
Molecular consequence: missense variant. On other transcripts: non-coding transcript variant (1).
Genome position (GRCh38, 1-based): chr17:58,692,788, G>A. VCF-style: chr17-58692788-G-A. GRCh37 (hg19) VCF-style: chr17-56770149-G-A.
Other names: c.145G>A, p.Glu49Lys (NM_002876.4); short protein forms E49K.
Identifiers: ClinVar variation 423572 (VCV000423572.14), dbSNP rs753709131, ClinGen allele CA8677152.

ClinVar aggregate classification (germline): Conflicting classifications of pathogenicity. Review status: criteria provided, conflicting classifications (1 of 4 stars). 3 submissions from 3 submitters: Likely pathogenic (1); Uncertain significance (2). Last evaluated 2025-04-30.

Conditions:
Breast-ovarian cancer, familial, susceptibility to, 3. Also called: RAD51C-Related Breast/Ovarian Cancer. Identifiers: Orphanet 145, MedGen C3150659, MONDO:0013253, OMIM 613399.
Fanconi anemia complementation group O. Also called: RAD51C-Related Fanconi Anemia. Identifiers: Orphanet 84, MedGen C3150653, MONDO:0013248, OMIM 613390.

Allele frequency attached by ClinVar (database versions not stated): gnomAD exomes below 0.00001; ExAC 0.00001.
gnomAD v4.1: 1 of 1,614,218 alleles (0.000062%); highest among the groups gnomAD compares: East Asian, 0.0022%; no homozygotes.

Submissions (3):

Labcorp Genetics (formerly Invitae), Labcorp
Classification: Uncertain significance for Fanconi anemia complementation group O. Last evaluated: 2025-04-30. Review status: criteria provided, single submitter. Criteria: Invitae Variant Classification Sherloc (09022015). Collection method: clinical testing. Allele origin: germline.
Comment: This sequence change replaces glutamic acid, which is acidic and polar, with lysine, which is basic and polar, at codon 49 of the RAD51C protein (p.Glu49Lys). This variant also falls at the last nucleotide of exon 1, which is part of the consensus splice site for this exon. This variant is present in population databases (rs753709131, gnomAD 0.006%). This missense change has been observed in individual(s) with ovarian cancer (PMID: 36562461). ClinVar contains an entry for this variant (Variation ID: 423572). An algorithm developed to predict the effect of missense changes on protein structure and function (PolyPhen-2) suggests that this variant is likely to be tolerated. Experimental studies have shown that this missense change affects RAD51C function (PMID: 36562461). Variants that disrupt the consensus splice site are a relatively common cause of aberrant splicing (PMID: 17576681, 9536098). Studies have shown that this missense change is associated with inconclusive levels of altered splicing (internal data). In summary, the available evidence is currently insufficient to determine the role of this variant in disease. Therefore, it has been classified as a Variant of Uncertain Significance.

Myriad Genetics, Inc.
Classification: Likely pathogenic for Breast-ovarian cancer, familial, susceptibility to, 3. Last evaluated: 2025-02-20. Review status: criteria provided, single submitter. Criteria: Myriad Autosomal Dominant, Autosomal Recessive and X-Linked Classification Criteria (2023). Collection method: clinical testing. Allele origin: unknown.
Comment: This variant is considered likely pathogenic. mRNA analysis has demonstrated abnormal mRNA splicing occurs [Myriad internal data]. Functional studies indicate this variant impacts protein function [PMID: 39299233].

GeneDx
Classification: Uncertain significance. Last evaluated: 2023-09-22. Review status: criteria provided, single submitter. Criteria: GeneDx Variant Classification Process June 2021. Collection method: clinical testing. Allele origin: germline. Affected: yes.
Comment: Not observed at significant frequency in large population cohorts (gnomAD); In silico analysis supports that this missense variant has a deleterious effect on protein structure/function; Has not been previously published as pathogenic or benign to our knowledge

Literature cited by the submitters: PubMed 36562461 (cited by Labcorp Genetics (formerly Invitae), Labcorp); PubMed 17576681 (cited by Labcorp Genetics (formerly Invitae), Labcorp); PubMed 9536098 (cited by Labcorp Genetics (formerly Invitae), Labcorp); PubMed 39299233 (cited by Myriad Genetics, Inc.).